The following is an entry in ClinVar:

NM_016343.4(CENPF):c.8192A>T (p.Lys2731Ile)

Gene: CENPF (centromere protein F; plus strand). Cytogenetic location: 1q41.
Variant type: single nucleotide variant.
Coding change: c.8192A>T on transcript NM_016343.4 (MANE Select); coding-DNA position 8192, A replaced by T.
Protein change: p.Lys2731Ile; replaces lysine 2731 with isoleucine.
Molecular consequence: missense variant.
Genome position (GRCh38, 1-based): chr1:214,652,859, A>T. VCF-style: chr1-214652859-A-T. GRCh37 (hg19) VCF-style: chr1-214826202-A-T.
Other names: short protein forms K2731I.
Identifiers: ClinVar variation 2577563 (VCV002577563.2), dbSNP rs763377013, ClinGen allele CA1391343.

ClinVar aggregate classification (germline): Uncertain significance. Review status: criteria provided, multiple submitters, no conflicts (2 of 4 stars). 2 submissions from 2 submitters: Uncertain significance (2). Last evaluated 2025-10-22.

Conditions:
Inborn genetic diseases. Identifiers: MedGen C0950123, MeSH D030342.

gnomAD v4.1: 21 of 1,599,852 alleles (0.0013%); highest among the groups gnomAD compares: East Asian, 0.045%; 1 homozygote.

Submissions (2):

Ambry Genetics
Classification: Uncertain significance for Inborn genetic diseases. Last evaluated: 2025-10-22. Review status: criteria provided, single submitter. Criteria: Ambry Variant Classification Scheme 2023. Collection method: clinical testing. Allele origin: germline.

GeneDx
Classification: Uncertain significance. Last evaluated: 2023-02-26. Review status: criteria provided, single submitter. Criteria: GeneDx Variant Classification Process June 2021. Collection method: clinical testing. Allele origin: germline. Affected: yes.
Comment: In silico analysis supports that this missense variant has a deleterious effect on protein structure/function; Has not been previously published as pathogenic or benign to our knowledge